The following is an entry in ClinVar:

NM_004364.5(CEBPA):c.967C>T (p.Arg323Cys)

Gene: CEBPA (CCAAT enhancer binding protein alpha; minus strand). Cytogenetic location: 19q13.11.
Variant type: single nucleotide variant.
Coding change: c.967C>T on transcript NM_004364.5 (MANE Select); coding-DNA position 967, C replaced by T.
Protein change: p.Arg323Cys; replaces arginine 323 with cysteine.
Molecular consequence: missense variant.
Genome position (GRCh38, 1-based): chr19:33,301,448, G>A on the plus strand (C>T on the coding strand, the complement: CEBPA is on the minus strand). VCF-style: chr19-33301448-G-A. GRCh37 (hg19) VCF-style: chr19-33792354-G-A.
Other names: c.610C>T, p.Arg204Cys (NM_001285829.2); c.1072C>T, p.Arg358Cys (NM_001287424.2); c.925C>T, p.Arg309Cys (NM_001287435.2); short protein forms R358C, R309C, R204C, R323C.
Identifiers: ClinVar variation 3019681 (VCV003019681.4), dbSNP rs1967160845, ClinGen allele CA405273812.
Genomic context (GRCh38, chr19:33,301,448, plus strand): 5'-GGAAGATGCCCCGCAGCGTGTCCAGTTCGCGGCTCAGCTGTTCCACCCGCTTGCGCAGGC[G>A]GTCATTGTCACTGGTCAGCTCCAGCACCTTCTGCTGCGTCTCCACGTTGCGCTGCTTGGC-3'
Protein context (NP_004355.2, residues 313-333): KVLELTSDND[Arg323Cys]LRKRVEQLSR

ClinVar aggregate classification (germline): Uncertain significance. Review status: criteria provided, multiple submitters, no conflicts (2 of 4 stars). 2 submissions from 2 submitters: Uncertain significance (2). Last evaluated 2025-11-30.

Conditions:
Inborn genetic diseases. Identifiers: MedGen C0950123, MeSH D030342.
Acute myeloid leukemia (AML). Also called: Acute myeloid leukemia, adult; AML adult; Acute non-lymphocytic leukemia; Acute granulocytic leukemia; Leukemia, acute myeloid, somatic; Leukemia, acute myelogenous, somatic. Identifiers: Orphanet 519, MedGen C0023467, MeSH D015470, MONDO:0018874, OMIM 601626, HP:0004808. Disease mechanism: Constitutively activated FLT3.

Allele frequency attached by ClinVar (database versions not stated): TOPMed below 0.00001; gnomAD 0.00001.

Submissions (2):

Ambry Genetics
Classification: Uncertain significance for Inborn genetic diseases. Last evaluated: 2025-11-30. Review status: criteria provided, single submitter. Criteria: Ambry Variant Classification Scheme 2023. Collection method: clinical testing. Allele origin: germline.
Comment: The p.R323C variant (also known as c.967C>T), located in coding exon 1 of the CEBPA gene, results from a C to T substitution at nucleotide position 967. The arginine at codon 323 is replaced by cysteine, an amino acid with highly dissimilar properties. This amino acid position is conserved. In addition, this alteration is predicted to be tolerated by in silico analysis. Based on the available evidence, the clinical significance of this variant remains unclear.

Labcorp Genetics (formerly Invitae), Labcorp
Classification: Uncertain significance for Acute myeloid leukemia. Last evaluated: 2025-02-18. Review status: criteria provided, single submitter. Criteria: Invitae Variant Classification Sherloc (09022015). Collection method: clinical testing. Allele origin: germline.
Comment: This sequence change replaces arginine, which is basic and polar, with cysteine, which is neutral and slightly polar, at codon 323 of the CEBPA protein (p.Arg323Cys). This variant is not present in population databases (gnomAD no frequency). This variant has not been reported in the literature in individuals affected with CEBPA-related conditions. ClinVar contains an entry for this variant (Variation ID: 3019681). Invitae Evidence Modeling of protein sequence and biophysical properties (such as structural, functional, and spatial information, amino acid conservation, physicochemical variation, residue mobility, and thermodynamic stability) indicates that this missense variant is expected to disrupt CEBPA protein function with a positive predictive value of 80%. In summary, the available evidence is currently insufficient to determine the role of this variant in disease. Therefore, it has been classified as a Variant of Uncertain Significance.